The following is an entry in ClinVar:

NM_201384.3(PLEC):c.13596C>T (p.Ala4532=)

Gene: PLEC (plectin; minus strand). Cytogenetic location: 8q24.3.
Variant type: single nucleotide variant.
Coding change: c.13596C>T on transcript NM_201384.3 (MANE Select); coding-DNA position 13596, C replaced by T.
Protein change: p.Ala4532=; no amino-acid change (alanine 4532 retained).
Molecular consequence: synonymous variant.
Genome position (GRCh38, 1-based): chr8:143,916,225, G>A on the plus strand (C>T on the coding strand, the complement: PLEC is on the minus strand). VCF-style: chr8-143916225-G-A. GRCh37 (hg19) VCF-style: chr8-144990393-G-A.
Other names: c.13677C>T, p.Ala4559= (NM_000445.5); c.13554C>T, p.Ala4518= (NM_201378.4); c.13530C>T, p.Ala4510= (NM_201379.3); c.14007C>T, p.Ala4669= (NM_201380.4); c.13500C>T, p.Ala4500= (NM_201381.3); c.13596C>T, p.Ala4532= (NM_201382.4); c.13608C>T, p.Ala4536= (NM_201383.3).
Identifiers: ClinVar variation 501734 (VCV000501734.17), dbSNP rs781917029, ClinGen allele CA4923750.
Genomic context (GRCh38, chr8:143,916,225, plus strand): 5'-GCGCAGGCAGCCTCAGGCCACGGCAGACTCAGGGCCCCCCAGGGAGGCCGAGGACCCCGA[G>A]GCGTAGCGGCGGCCGTAGCCCGAGGAGGAGTAGGAGGATGAAGAGAAGGTCATGGAGAAG-3'
Protein context (NP_958786.1, residues 4522-4542): YSSSGYGRRY[Ala4532=]SGSSASLGGP

ClinVar aggregate classification (germline): Conflicting classifications of pathogenicity. Review status: criteria provided, conflicting classifications (1 of 4 stars). 4 submissions from 4 submitters: Uncertain significance (1); Likely benign (2). 1 of the submissions does not count toward it. Last evaluated 2025-11-06.

Conditions:
Epidermolysis bullosa simplex 5B, with muscular dystrophy (EBS5B). Also called: EPIDERMOLYSIS BULLOSA SIMPLEX AND LIMB-GIRDLE MUSCULAR DYSTROPHY; Epidermolysis bullosa simplex with muscular dystrophy. Identifiers: Orphanet 257, MedGen C2931072, MONDO:0009181, OMIM 226670.
Autosomal recessive limb-girdle muscular dystrophy type 2Q (LGMDR17). Also called: MUSCULAR DYSTROPHY, LIMB-GIRDLE, AUTOSOMAL RECESSIVE 17. Identifiers: Orphanet 254361, MedGen C3150989, MONDO:0013390, OMIM 613723.
Epidermolysis bullosa simplex, Ogna type (EBS5A). Also called: Pidermolysis bullosa simplex 5A, Ogna type; EPIDERMOLYSIS BULLOSA SIMPLEX 5A, OGNA TYPE. Identifiers: Orphanet 79401, MedGen C0432317, MONDO:0007555, OMIM 131950.
Epidermolysis bullosa simplex with nail dystrophy (EBS5D). Identifiers: MedGen C4225309, MONDO:0014661, OMIM 616487.
Epidermolysis bullosa simplex 5C, with pyloric atresia (EBS5C). Also called: PLEC-Related Epidermolysis Bullosa with Pyloric Atresia; Epidermolysis bullosa simplex with pyloric atresia; PLEC1-Related Epidermolysis Bullosa with Pyloric Atresia. Identifiers: Orphanet 158684, MedGen C2677349, MONDO:0012807, OMIM 612138.
PLEC-related disorder. Also called: PLEC-related condition; PLEC-related disorders.

Allele frequency attached by ClinVar (database versions not stated): ExAC below 0.00001; gnomAD exomes 0.00003 and 0.00004; gnomAD 0.00004; TOPMed 0.00005.
gnomAD v4.1: 41 of 1,546,546 alleles (0.0027%); highest among the groups gnomAD compares: Middle Eastern, 0.1%; no homozygotes.

Submissions (4):

Labcorp Genetics (formerly Invitae), Labcorp
Classification: Likely benign for Autosomal recessive limb-girdle muscular dystrophy type 2Q; Epidermolysis bullosa simplex, Ogna type; Epidermolysis bullosa simplex with nail dystrophy; Epidermolysis bullosa simplex 5C, with pyloric atresia; Epidermolysis bullosa simplex 5B, with muscular dystrophy. Last evaluated: 2025-11-06. Review status: criteria provided, single submitter. Criteria: Invitae Variant Classification Sherloc (09022015). Collection method: clinical testing. Allele origin: germline.

Blueprint Genetics
Classification: Likely benign. Last evaluated: 2023-10-09. Review status: criteria provided, single submitter. Criteria: ACMG Guidelines, 2015. Collection method: clinical testing. Allele origin: germline.

Eurofins Ntd Llc (ga)
Classification: Uncertain significance. Last evaluated: 2017-05-04. Review status: criteria provided, single submitter. Criteria: EGL Classification Definitions 2015. Collection method: clinical testing. Allele origin: germline. Observed: 1 variant allele, 1 heterozygote.

PreventionGenetics, part of Exact Sciences
Classification: Likely benign for PLEC-related condition. Last evaluated: 2024-01-17. Review status: no assertion criteria provided. Collection method: clinical testing. Allele origin: germline. Not counted in ClinVar's aggregate classification.
Comment: This variant is classified as likely benign based on ACMG/AMP sequence variant interpretation guidelines (Richards et al. 2015 PMID: 25741868, with internal and published modifications).